The following is an entry in ClinVar:

ClinVar aggregate classification (germline): Likely benign (1 of 4 stars; one submission).

Allele frequency attached by ClinVar (database versions not stated): ExAC 0.00002; gnomAD 0.00008.
gnomAD v4.1: 59 of 1,612,160 alleles (0.0037%); highest among the groups gnomAD compares: African/African-American, 0.0067%; no homozygotes.

Submission:

CeGaT Center for Human Genetics Tuebingen
Classification: Likely benign. Last evaluated: 2025-05-01. Review status: criteria provided, single submitter. Criteria: CeGaT Center For Human Genetics Tuebingen Variant Classification Criteria Version 2. Collection method: clinical testing. Allele origin: germline. Affected: yes. Observed: 2 variant alleles.
Comment: CUX1: BP4, BP7

NM_181552.4(CUX1):c.1314G>C (p.Pro438=)

Gene: CUX1 (cut like homeobox 1; plus strand). Cytogenetic location: 7q22.1.
Variant type: single nucleotide variant.
Coding change: c.1314G>C on transcript NM_181552.4 (MANE Select); coding-DNA position 1314, G replaced by C.
Protein change: p.Pro438=; no amino-acid change (proline 438 retained).
Molecular consequence: synonymous variant. On other transcripts: intron variant (5).
Genome position (GRCh38, 1-based): chr7:102,196,725, G>C. VCF-style: chr7-102196725-G-C. GRCh37 (hg19) VCF-style: chr7-101840005-G-C.
Other names: c.1347G>C, p.Pro449= (NM_001202543.2); c.1255+1122G>C (NM_001913.5); c.1249+1122G>C (NM_181500.4); c.1117+1122G>C (NM_001202545.3); c.1207+1122G>C (NM_001202544.3); c.1138+1122G>C (NM_001202546.3).
Identifiers: ClinVar variation 2673121 (VCV002673121.23), dbSNP rs782792685, ClinGen allele CA4410835.
Genomic context (GRCh38, chr7:102,196,725, plus strand): 5'-TGAAAGTCGGCGCCCGGGATCTTTGCCGGCCCCCCCTCCTTCTCAGTTGCCCCGCAACCC[G>C]GGGGAGCAGGCTTCCAATACTAATGGTACACACCAGTTCTCACCAGCGGGGTTAAGTCAA-3'
Protein context (NP_853530.2, residues 428-448): APPPSQLPRN[Pro438=]GEQASNTNGT